The following is an entry in ClinVar:

ClinVar aggregate classification (germline): Uncertain significance. Review status: criteria provided, multiple submitters, no conflicts (2 of 4 stars). 4 submissions from 4 submitters: Uncertain significance (4). Last evaluated 2024-10-03.

Conditions:
Cone dystrophy with supernormal rod response (CDSRR). Also called: CONE DYSTROPHY WITH SUPERNORMAL ROD RESPONSES. Identifiers: Orphanet 209932, MedGen C1835897, MONDO:0012475, OMIM 610356.

Allele frequency attached by ClinVar (database versions not stated): TOPMed 0.00002; gnomAD 0.00003 and 0.00004; ExAC 0.00005; gnomAD exomes 0.00005 and 0.00008.
gnomAD v4.1: 120 of 1,612,318 alleles (0.0074%); highest among the groups gnomAD compares: Non-Finnish European, 0.0089%; no homozygotes.

Submissions (4):

Blueprint Genetics
Classification: Uncertain significance. Last evaluated: 2024-10-03. Review status: criteria provided, single submitter. Criteria: ACMG Guidelines, 2015. Collection method: clinical testing. Allele origin: germline.

GeneDx
Classification: Uncertain significance. Last evaluated: 2024-06-26. Review status: criteria provided, single submitter. Criteria: GeneDx Variant Classification Process June 2021. Collection method: clinical testing. Allele origin: germline. Affected: yes.
Comment: Observed in a patient with cone dystrophy, however a second variant was not identified (PMID: 28224992); In silico analysis indicates that this missense variant does not alter protein structure/function; This variant is associated with the following publications: (PMID: 28224992)

Labcorp Genetics (formerly Invitae), Labcorp
Classification: Uncertain significance. Last evaluated: 2022-07-06. Review status: criteria provided, single submitter. Criteria: Invitae Variant Classification Sherloc (09022015). Collection method: clinical testing. Allele origin: germline.
Comment: This sequence change replaces valine, which is neutral and non-polar, with methionine, which is neutral and non-polar, at codon 274 of the KCNV2 protein (p.Val274Met). This variant is present in population databases (rs754107665, gnomAD 0.009%). This missense change has been observed in individual(s) with clinical features of retinal cone dystrophy (PMID: 28224992). ClinVar contains an entry for this variant (Variation ID: 914242). Algorithms developed to predict the effect of missense changes on protein structure and function are either unavailable or do not agree on the potential impact of this missense change (SIFT: "Deleterious"; PolyPhen-2: "Possibly Damaging"; Align-GVGD: "Class C0"). In summary, the available evidence is currently insufficient to determine the role of this variant in disease. Therefore, it has been classified as a Variant of Uncertain Significance.

Illumina Laboratory Services, Illumina
Classification: Uncertain significance for Cone dystrophy with supernormal rod response. Last evaluated: 2017-09-22. Review status: criteria provided, single submitter. Criteria: ICSL Variant Classification Criteria 13 December 2019. Collection method: clinical testing. Allele origin: germline.
Comment: This variant was observed as part of a predisposition screen in an ostensibly healthy population. A literature search was performed for the gene, cDNA change, and amino acid change (where applicable). Publications were found based on this search. However, the evidence from the literature, in combination with allele frequency data from public databases where available, was not sufficient to rule this variant in or out of causing disease. Therefore, this variant is classified as a variant of unknown significance.

Literature cited by the submitters: PubMed 28224992 (cited by Labcorp Genetics (formerly Invitae), Labcorp and Illumina Laboratory Services, Illumina).

NM_133497.4(KCNV2):c.820G>A (p.Val274Met)

Gene: KCNV2 (potassium voltage-gated channel modifier subfamily V member 2; plus strand). Cytogenetic location: 9p24.2.
Variant type: single nucleotide variant.
Coding change: c.820G>A on transcript NM_133497.4 (MANE Select); coding-DNA position 820, G replaced by A.
Protein change: p.Val274Met; replaces valine 274 with methionine.
Molecular consequence: missense variant.
Genome position (GRCh38, 1-based): chr9:2,718,559, G>A. VCF-style: chr9-2718559-G-A. GRCh37 (hg19) VCF-style: chr9-2718559-G-A.
Other names: short protein forms V274M.
Identifiers: ClinVar variation 914242 (VCV000914242.9), dbSNP rs754107665, ClinGen allele CA4965636.